The following is an entry in ClinVar:

ClinVar aggregate classification (germline): Uncertain significance (1 of 4 stars; one submission).

Submission:

Labcorp Genetics (formerly Invitae), Labcorp
Classification: Uncertain significance. Last evaluated: 2021-02-20. Review status: criteria provided, single submitter. Criteria: Invitae Variant Classification Sherloc (09022015). Collection method: clinical testing. Allele origin: germline.
Comment: This sequence change replaces aspartic acid with asparagine at codon 1649 of the MYO5B protein (p.Asp1649Asn). The aspartic acid residue is moderately conserved and there is a small physicochemical difference between aspartic acid and asparagine. This variant is not present in population databases (ExAC no frequency). In summary, the available evidence is currently insufficient to determine the role of this variant in disease. Therefore, it has been classified as a Variant of Uncertain Significance. Algorithms developed to predict the effect of missense changes on protein structure and function (SIFT, PolyPhen-2, Align-GVGD) all suggest that this variant is likely to be tolerated, but these predictions have not been confirmed by published functional studies and their clinical significance is uncertain. This variant has not been reported in the literature in individuals with MYO5B-related conditions.

NM_001080467.3(MYO5B):c.4945G>A (p.Asp1649Asn)

Genes: MYO5B (myosin VB; minus strand), SNHG22 (small nucleolar RNA host gene 22; plus strand). Cytogenetic location: 18q21.1.
Variant type: single nucleotide variant.
Coding change: c.4945G>A on transcript NM_001080467.3 (MANE Select); coding-DNA position 4945, G replaced by A.
Protein change: p.Asp1649Asn; replaces aspartic acid 1649 with asparagine.
Molecular consequence: missense variant.
Genome position (GRCh38, 1-based): chr18:49,837,710, C>T on the plus strand (G>A on the coding strand, the complement: MYO5B is on the minus strand). VCF-style: chr18-49837710-C-T. GRCh37 (hg19) VCF-style: chr18-47364080-C-T.
Other names: short protein forms D1649N.
Identifiers: ClinVar variation 1512296 (VCV001512296.8), dbSNP rs2024006486, ClinGen allele CA402422127.